The following is an entry in ClinVar:

NM_002875.5(RAD51):c.995A>G (p.Asp332Gly)

Gene: RAD51 (RAD51 recombinase; plus strand). Cytogenetic location: 15q15.1.
Variant type: single nucleotide variant.
Coding change: c.995A>G on transcript NM_002875.5 (MANE Select); coding-DNA position 995, A replaced by G.
Protein change: p.Asp332Gly; replaces aspartic acid 332 with glycine.
Molecular consequence: missense variant. On other transcripts: 3 prime UTR variant (1).
Genome position (GRCh38, 1-based): chr15:40,731,153, A>G. VCF-style: chr15-40731153-A-G. GRCh37 (hg19) VCF-style: chr15-41023351-A-G.
Other names: c.998A>G, p.Asp333Gly (NM_001164269.2, NM_133487.4); c.*30A>G (NM_001164270.2); short protein forms D333G, D332G.
Identifiers: ClinVar variation 3312360 (VCV003312360.1).

ClinVar aggregate classification (germline): Uncertain significance (1 of 4 stars; one submission).

Conditions:
Inborn genetic diseases. Identifiers: MedGen C0950123, MeSH D030342.

gnomAD v4.1: 1 of 1,614,090 alleles (0.000062%); highest among the groups gnomAD compares: African/African-American, 0.0013%; no homozygotes.

Submission:

Ambry Genetics
Classification: Uncertain significance for Inborn genetic diseases. Last evaluated: 2024-04-27. Review status: criteria provided, single submitter. Criteria: Ambry Variant Classification Scheme 2023. Collection method: clinical testing. Allele origin: germline.
Comment: The p.D332G variant (also known as c.995A>G), located in coding exon 9 of the RAD51 gene, results from an A to G substitution at nucleotide position 995. The aspartic acid at codon 332 is replaced by glycine, an amino acid with similar properties. This amino acid position is conserved. In addition, the in silico prediction for this alteration is inconclusive. Based on the available evidence, the clinical significance of this variant remains unclear.